The following is an entry in ClinVar:

NM_007294.4(BRCA1):c.5306A>T (p.Tyr1769Phe)

Gene: BRCA1 (BRCA1 DNA repair associated; minus strand). Cytogenetic location: 17q21.31.
Variant type: single nucleotide variant.
Coding change: c.5306A>T on transcript NM_007294.4 (MANE Select); coding-DNA position 5306, A replaced by T.
Protein change: p.Tyr1769Phe; replaces tyrosine 1769 with phenylalanine.
Molecular consequence: missense variant. On other transcripts: non-coding transcript variant (1).
Genome position (GRCh38, 1-based): chr17:43,051,089, T>A on the plus strand (A>T on the coding strand, the complement: BRCA1 is on the minus strand). VCF-style: chr17-43051089-T-A. GRCh37 (hg19) VCF-style: chr17-41203106-T-A.
Other names: c.1994A>T, p.Tyr665Phe (NM_001407983.1, NM_001407984.1, NM_001407985.1 and 13 more transcripts); c.1988A>T, p.Tyr663Phe (NM_001408406.1, NM_001408407.1, NM_001408408.1); c.1985A>T, p.Tyr662Phe (NM_001408409.1); c.1922A>T, p.Tyr641Phe (NM_001408410.1); c.1919A>T, p.Tyr640Phe (NM_001408411.1); c.1916A>T, p.Tyr639Phe (NM_001408412.1, NM_001408413.1, NM_001408414.1 and 2 more transcripts); c.1874A>T, p.Tyr625Phe (NM_001408426.1, NM_001408427.1, NM_001408428.1 and 4 more transcripts); c.1871A>T, p.Tyr624Phe (NM_001408432.1, NM_001408433.1, NM_001408434.1 and 10 more transcripts); and 72 more; short protein forms Y1769F, Y1722F, Y665F, Y1790F, Y1656F, Y1657F, Y1699F, Y1701F.
Identifiers: ClinVar variation 865579 (VCV000865579.3), dbSNP rs397509257, ClinGen allele CA10590935.

Conditions:
Breast-ovarian cancer, familial, susceptibility to, 1 (BROVCA1). Also called: BRCA1 Hereditary Breast and Ovarian Cancer; OVARIAN CANCER, SUSCEPTIBILITY TO. Identifiers: Orphanet 145, MedGen C2676676, MONDO:0011450, OMIM 604370. Disease mechanism: loss of function.

Submission:

Brotman Baty Institute, University of Washington
No classification provided (evidence only). Condition: Breast-ovarian cancer, familial 1. Review status: no classification provided. Collection method: in vitro. Allele origin: not applicable. Functional consequence: functionally_normal.
ClinVar note: "not provided" was previously submitted as the classification for the variant. However, the classification appeared to be based only on an observation of functional data so it was converted to no classification on 2025-07-30.